The following is an entry in ClinVar:

NM_006045.3(ATP9A):c.2701G>T (p.Glu901Ter)

Genes: ATP9A (ATPase phospholipid transporting 9A (putative); minus strand), LOC126863053 (CDK7 strongly-dependent group 2 enhancer GRCh37_chr20:50224727-50225926; plus strand). Cytogenetic location: 20q13.2.
Variant type: single nucleotide variant.
Coding change: c.2701G>T on transcript NM_006045.3 (MANE Select); coding-DNA position 2701, G replaced by T.
Protein change: p.Glu901Ter; replaces glutamic acid 901 with a stop codon.
Molecular consequence: nonsense.
Genome position (GRCh38, 1-based): chr20:51,608,562, C>A on the plus strand (G>T on the coding strand, the complement: ATP9A is on the minus strand). VCF-style: chr20-51608562-C-A. GRCh37 (hg19) VCF-style: chr20-50225101-C-A.
Other names: short protein forms E901*.
Identifiers: ClinVar variation 3910011 (VCV003910011.1).
Genomic context (GRCh38, chr20:51,608,562, plus strand): 5'-GAAAAGCTAACAGAACCTTGAGAAGATCCTTGTAGAGCTCAGGATACAGCATGGCAACTT[C>A]CGATTTGACATCTTTGTCCAGGACCAGAGAAAACACAGGAAACATGGTGTAAATTGTGGA-3'

ClinVar aggregate classification (germline): Pathogenic (1 of 4 stars; one submission).

Conditions:
Neurodevelopmental disorder with poor growth and behavioral abnormalities (NEDGBA). Identifiers: MedGen C5830273, MONDO:0859377, OMIM 620242.

Submission:

Spanish Undiagnosed Rare Disease Program-IIER, Instituto de Salud Carlos III
Classification: Pathogenic for Neurodevelopmental disorder with poor growth and behavioral abnormalities. Last evaluated: 2025-06-26. Review status: criteria provided, single submitter. Criteria: ACMG Guidelines, 2015. Collection method: clinical testing. Allele origin: maternal. Inheritance: Autosomal recessive inheritance. Affected: yes. Observed: 1 compound heterozygote. Study: SpainUDP.
Comment: The NM_006045.3(ATP9A):c.2701G>T p.(Glu901Ter) variant has been previously reported in the compound heterozygous state in a patient diagnosed with global developmental delay, growth failure, gastroesophageal reflux, dysphagia, erratic eye movements, hypotonia, severe ID and ASD features (PMID: 40226306). The alteration generates a premature stop codon at position 901, which is located in coding exon 25 (of a total of 28). This early termination is predicted to result in a loss of function by either premature ATP9A protein truncation or nonsense-mediated mRNA decay, which are well-known mechanisms for disease. The variant is also absent from GnomAD population databases, indicating it is not a common polymorphism. Both homozygous and compound heterozygous nonsense ATP9A gene variants have been previously shown to cause an autosomal recessive neurodevelopmental disorder associated with poor growth and behavioral abnormalities (OMIM 620242; PMID: 36604604, 34379057). Based on the ACMG/AMP Standards and Guidelines for the Interpretation of Sequenc Variants (PMID: 25741868), this variant has been classified as Pathogenic Ib (applied criteria: PVS1, PM2, PM3).

Literature cited by the submitters: PubMed 40226306; PubMed 36604604; PubMed 34379057.